The following is an entry in ClinVar:

ClinVar aggregate classification (germline): Pathogenic (3 of 4 stars; one submission).

Conditions:
Phenylketonuria (PKU). Also called: OLIGOPHRENIA PHENYLPYRUVICA; Phenylketonuria (PKU); Phenylketonurias; FOLLING DISEASE. Identifiers: Orphanet 716, MedGen C0031485, MONDO:0009861, OMIM 261600. Disease mechanism: loss of function.

Submission:

ClinGen PAH Variant Curation Expert Panel
Classification: Pathogenic for Phenylketonuria. Last evaluated: 2020-10-15. Review status: reviewed by expert panel. Criteria: ClinGen PAH ACMG Specifications v1. Collection method: curation. Allele origin: germline. Inheritance: Autosomal recessive inheritance.
Comment: This variant c.324_328del (p.Glu108AspfsTer4) in PAH was reported in at least 1 Czech patient with PAH deficiency (paper did not specify how many patients had this variant) (PMID: 23357515), although a defect in BH4 metabolism was not excluded. This is a frameshift variant in exon 3 out of 13 coding exons, predicted to undergo nonsense mediated mRNA decay, as it is not located in the 3'-most exon or the 3'-most 50 bp of the penultimate exon. The exon is present in biologically-relevant transcripts. This variant is absent from population databases. In summary, this variant meets criteria to be classified as pathogenic for PAH. PAH-specific ACMG/AMP criteria applied: PVS1, PM2, PP4.

Literature cited by the submitters: PubMed 23357515.

NM_000277.3(PAH):c.324_328del (p.Glu108fs)

Gene: PAH (phenylalanine hydroxylase; minus strand). Cytogenetic location: 12q23.2.
Variant type: Deletion.
Coding change: c.324_328del on transcript NM_000277.3 (MANE Select); coding-DNA positions 324 to 328, 5 bases deleted (GCTTT; older notation c.324_328delGCTTT).
Protein change: p.Glu108fs; shifts the reading frame from glutamic acid 108.
Molecular consequence: frameshift variant.
Genome position (GRCh38, 1-based): chr12:102,894,759-102,894,763, AAAGC deleted on the plus strand (GCTTT on the coding strand, the reverse complement: PAH is on the minus strand). VCF-style (leftmost placement, unchanged base first): chr12-102894758-GAAAGC-G. GRCh37 (hg19) VCF-style: chr12-103288536-GAAAGC-G.
Other names: c.324_328del, p.Glu108fs (NM_001354304.2); short protein forms E108fs.
Identifiers: ClinVar variation 987778 (VCV000987778.1), dbSNP rs1877424058, ClinGen allele CA16020766.